The following is an entry in ClinVar:

ClinVar aggregate classification (germline): Likely pathogenic (0 of 4 stars; one submission).

Conditions:
Ulnar-mammary syndrome (UMS). Also called: SCHINZEL SYNDROME; Ulnar-mammary syndrome of Pallister; PALLISTER ULNAR-MAMMARY SYNDROME. Identifiers: Orphanet 3138, MedGen C1866994, MONDO:0008411, OMIM 181450.

Submission:

Medical Genetics Center, Maternal and Child Health Hospital of Hubei Province
Classification: Likely pathogenic for Ulnar-mammary syndrome. Last evaluated: 2026-05-14. Review status: no assertion criteria provided. Collection method: clinical testing. Allele origin: de novo. Affected: yes.
Comment: PVS1_Strong+PM2_Supporting+PS2_Supporting

NM_005996.4(TBX3):c.1454del (p.Pro485fs)

Gene: TBX3 (T-box transcription factor 3; minus strand). Cytogenetic location: 12q24.21.
Variant type: Deletion.
Coding change: c.1454del on transcript NM_005996.4 (MANE Select); coding-DNA position 1454, one base deleted (C; older notation c.1454delC).
Protein change: p.Pro485fs; shifts the reading frame from proline 485.
Molecular consequence: frameshift variant.
Genome position (GRCh38, 1-based): chr12:114,674,421, G deleted on the plus strand (C on the coding strand, the reverse complement: TBX3 is on the minus strand); the first of 4 consecutive G bases (chr12:114,674,421-114,674,424); deleting any one gives the same sequence. VCF-style (leftmost placement, unchanged base first): chr12-114674420-CG-C. GRCh37 (hg19) VCF-style: chr12-115112225-CG-C.
Other names: c.1514del, p.Pro505fs (NM_016569.4); short protein forms P485fs, P505fs.
Identifiers: ClinVar variation 4852527 (VCV004852527.1).